The following is an entry in ClinVar:

ClinVar aggregate classification (germline): Uncertain significance (1 of 4 stars; one submission).

Conditions:
Ehlers-Danlos syndrome, kyphoscoliotic type 1 (EDSKSCL1). Also called: PLOD1-Related Kyphoscoliotic Ehlers-Danlos Syndrome; Ehlers-Danlos syndrome, hydroxylysine-deficient; EHLERS-DANLOS SYNDROME, OCULAR-SCOLIOTIC TYPE; EHLERS-DANLOS SYNDROME, TYPE VIA. Identifiers: Orphanet 1900, MedGen C0268342, MONDO:0016002, OMIM 225400. Disease mechanism: loss of function.

Allele frequency attached by ClinVar (database versions not stated): 1000 Genomes Project 30x 0.00016.
gnomAD v4.1: 1 of 1,613,526 alleles (0.000062%); highest among the groups gnomAD compares: East Asian, 0.0022%; no homozygotes.

Submission:

Labcorp Genetics (formerly Invitae), Labcorp
Classification: Uncertain significance for Ehlers-Danlos syndrome, kyphoscoliotic type 1. Last evaluated: 2021-12-24. Review status: criteria provided, single submitter. Criteria: Invitae Variant Classification Sherloc (09022015). Collection method: clinical testing. Allele origin: germline.
Comment: Algorithms developed to predict the effect of missense changes on protein structure and function (SIFT, PolyPhen-2, Align-GVGD) all suggest that this variant is likely to be disruptive. This sequence change replaces tyrosine, which is neutral and polar, with cysteine, which is neutral and slightly polar, at codon 344 of the PLOD1 protein (p.Tyr344Cys). This variant is not present in population databases (gnomAD no frequency). This variant has not been reported in the literature in individuals affected with PLOD1-related conditions. In summary, the available evidence is currently insufficient to determine the role of this variant in disease. Therefore, it has been classified as a Variant of Uncertain Significance.

NM_000302.4(PLOD1):c.1031A>G (p.Tyr344Cys)

Gene: PLOD1 (procollagen-lysine,2-oxoglutarate 5-dioxygenase 1; plus strand). Cytogenetic location: 1p36.22.
Variant type: single nucleotide variant.
Coding change: c.1031A>G on transcript NM_000302.4 (MANE Select); coding-DNA position 1031, A replaced by G.
Protein change: p.Tyr344Cys; replaces tyrosine 344 with cysteine.
Molecular consequence: missense variant.
Genome position (GRCh38, 1-based): chr1:11,960,701, A>G. VCF-style: chr1-11960701-A-G. GRCh37 (hg19) VCF-style: chr1-12020758-A-G.
Other names: c.1172A>G, p.Tyr391Cys (NM_001316320.2); short protein forms Y391C, Y344C.
Identifiers: ClinVar variation 2058063 (VCV002058063.4), dbSNP rs200166434, ClinGen allele CA18010448.